The following is an entry in ClinVar:

NM_020937.4(FANCM):c.439G>A (p.Val147Met)

Gene: FANCM (FA complementation group M; plus strand). Cytogenetic location: 14q21.2.
Variant type: single nucleotide variant.
Coding change: c.439G>A on transcript NM_020937.4 (MANE Select); coding-DNA position 439, G replaced by A.
Protein change: p.Val147Met; replaces valine 147 with methionine.
Molecular consequence: missense variant.
Genome position (GRCh38, 1-based): chr14:45,136,470, G>A. VCF-style: chr14-45136470-G-A. GRCh37 (hg19) VCF-style: chr14-45605673-G-A.
Other names: c.439G>A, p.Val147Met (NM_001308133.2, NM_001308134.2); short protein forms V147M.
Identifiers: ClinVar variation 3512958 (VCV003512958.1).

ClinVar aggregate classification (germline): Uncertain significance (1 of 4 stars; one submission).

Conditions:
Inborn genetic diseases. Identifiers: MedGen C0950123, MeSH D030342.

gnomAD v4.1: 1 of 1,614,142 alleles (0.000062%); highest among the groups gnomAD compares: Non-Finnish European, 0.000085%; no homozygotes.

Submission:

Ambry Genetics
Classification: Uncertain significance for Inborn genetic diseases. Last evaluated: 2024-12-01. Review status: criteria provided, single submitter. Criteria: Ambry Variant Classification Scheme 2023. Collection method: clinical testing. Allele origin: germline.
Comment: The p.V147M variant (also known as c.439G>A), located in coding exon 1 of the FANCM gene, results from a G to A substitution at nucleotide position 439. The valine at codon 147 is replaced by methionine, an amino acid with highly similar properties. This amino acid position is conserved. In addition, the in silico prediction for this alteration is inconclusive. Based on the available evidence, the clinical significance of this variant remains unclear.